The following is an entry in ClinVar:

NM_014284.3(NCDN):c.1492T>C (p.Trp498Arg)

Gene: NCDN (neurochondrin; plus strand). Cytogenetic location: 1p34.3.
Variant type: single nucleotide variant.
Coding change: c.1492T>C on transcript NM_014284.3 (MANE Select); coding-DNA position 1492, T replaced by C.
Protein change: p.Trp498Arg; replaces tryptophan 498 with arginine.
Molecular consequence: missense variant.
Genome position (GRCh38, 1-based): chr1:35,563,308, T>C. VCF-style: chr1-35563308-T-C. GRCh37 (hg19) VCF-style: chr1-36028909-T-C.
Other names: c.1492T>C, p.Trp498Arg (NM_001014839.2); c.1441T>C, p.Trp481Arg (NM_001014841.2); short protein forms W481R, W498R.
Identifiers: ClinVar variation 984914 (VCV000984914.4), dbSNP rs2148539394, ClinGen allele CA339346431.

ClinVar aggregate classification (germline): Pathogenic. Review status: criteria provided, single submitter (1 of 4 stars). 2 submissions from 2 submitters: Pathogenic (1). 1 of the submissions does not count toward it. Last evaluated 2024-12-12.

Conditions:
Neurodevelopmental disorder with infantile epileptic spasms. Identifiers: MedGen C5543538, MONDO:0859162, OMIM 619373.

Submissions (2):

Research Group Niklas Dahl, Uppsala University
Classification: Pathogenic for Neurodevelopmental disorder with infantile epileptic spasms. Last evaluated: 2024-12-12. Review status: criteria provided, single submitter. Criteria: ACMG Guidelines, 2015. Collection method: research. Allele origin: de novo. Affected: yes. Observed: 1 variant allele.
Comment: We report on NCDN missense variants in six affected individuals from four families with variable degrees of developmental delay, intellectual disability (ID) and seizures. ACMG: Pathogenic 11 PS2, PS3, PM2_Supporting, PP2, PP3_Supporting

OMIM
Classification: Pathogenic for NEURODEVELOPMENTAL DISORDER WITH INFANTILE EPILEPTIC SPASMS. Last evaluated: 2021-06-16. Review status: no assertion criteria provided. Collection method: literature only. Allele origin: germline. Not counted in ClinVar's aggregate classification.

Literature cited by the submitters: PubMed 33711248 (cited by Research Group Niklas Dahl, Uppsala University and OMIM).